The following is an entry in ClinVar:

NM_007078.3(LDB3):c.529dup (p.Ala177fs)

Gene: LDB3 (LIM domain binding 3; plus strand). Cytogenetic location: 10q23.2.
Variant type: Duplication.
Coding change: c.529dup on transcript NM_007078.3 (MANE Select); coding-DNA position 529, one base duplicated (G; older notation c.529dupG).
Protein change: p.Ala177fs; shifts the reading frame from alanine 177.
Molecular consequence: frameshift variant. On other transcripts: intron variant (5).
Genome position (GRCh38, 1-based): chr10:86,681,643, G duplicated; the last of 5 consecutive G bases (chr10:86,681,639-86,681,643); duplicating any one gives the same sequence. VCF-style (leftmost placement, unchanged base first): chr10-86681638-A-AG. GRCh37 (hg19) VCF-style: chr10-88441395-A-AG.
Other names: p.Ala177GlyfsX20; c.529dup, p.Ala177fs (NM_001080115.2, NM_001171610.2, NM_001171611.2 and 3 more transcripts); c.321+1486dup (NM_001368068.1, NM_001368066.1, NM_001080114.2 and 2 more transcripts); short protein forms A177fs.
Identifiers: ClinVar variation 178668 (VCV000178668.17), dbSNP rs730880345, ClinGen allele CA182758.

ClinVar aggregate classification (germline): Conflicting classifications of pathogenicity. Review status: criteria provided, conflicting classifications (1 of 4 stars). 6 submissions from 6 submitters: Pathogenic (1); Uncertain significance (5). Last evaluated 2025-05-14.

Conditions:
Cardiovascular phenotype. Identifiers: MedGen CN230736.
Myofibrillar myopathy 4. Also called: Zaspopathy (type). Identifiers: Orphanet 98912, MedGen C4721886, MONDO:0012277, OMIM 609452.

Submissions (6):

Revvity Omics, Revvity
Classification: Uncertain significance. Last evaluated: 2025-05-14. Review status: criteria provided, single submitter. Criteria: ACMG Guidelines, 2015. Collection method: clinical testing. Allele origin: germline.

Labcorp Genetics (formerly Invitae), Labcorp
Classification: Pathogenic for Myofibrillar myopathy 4. Last evaluated: 2024-12-23. Review status: criteria provided, single submitter. Criteria: Invitae Variant Classification Sherloc (09022015). Collection method: clinical testing. Allele origin: germline.
Comment: The LDB3 gene has multiple clinically relevant transcripts. This variant occurs in alternate transcript NM_007078.3, and corresponds to NM_001080116.1:c.321+1486dup in the primary transcript. This sequence change creates a premature translational stop signal (p.Ala177Glyfs*20) in the LDB3 gene. It is expected to result in an absent or disrupted protein product. Loss-of-function variants in LDB3 are known to be pathogenic (PMID: 36253531). This variant is present in population databases (rs748794499, gnomAD 0.002%). This variant has not been reported in the literature in individuals affected with LDB3-related conditions. ClinVar contains an entry for this variant (Variation ID: 178668). Algorithms developed to predict the effect of sequence changes on RNA splicing suggest that this variant is not likely to affect RNA splicing. For these reasons, this variant has been classified as Pathogenic.

Blueprint Genetics
Classification: Uncertain significance. Last evaluated: 2024-02-15. Review status: criteria provided, single submitter. Criteria: ACMG Guidelines, 2015. Collection method: clinical testing. Allele origin: germline.

GeneDx
Classification: Uncertain significance. Last evaluated: 2023-01-13. Review status: criteria provided, single submitter. Criteria: GeneDx Variant Classification Process June 2021. Collection method: clinical testing. Allele origin: germline. Affected: yes.
Comment: Has not been previously published as pathogenic or benign to our knowledge; Not observed at significant frequency in large population cohorts (gnomAD); Frameshift variant predicted to result in protein truncation or nonsense mediated decay in a gene or region of a gene for which loss of function is not a well-established mechanism of disease; Reported using an alternate transcript of the gene

Ambry Genetics
Classification: Uncertain significance for Cardiovascular phenotype. Last evaluated: 2020-12-18. Review status: criteria provided, single submitter. Criteria: Ambry Variant Classification Scheme 2023. Collection method: clinical testing. Allele origin: germline.
Comment: The c.529dupG variant, located in coding exon 4 of the LDB3 gene, results from a duplication of G at nucleotide position 529, causing a translational frameshift with a predicted alternate stop codon (p.A177Gfs*20). This alteration is expected to result in premature protein truncation or nonsense-mediated mRNA decay. However, loss of function of LDB3 has not been clearly established as a mechanism of disease. Since supporting evidence is limited at this time, the clinical significance of this alteration remains unclear.

Laboratory for Molecular Medicine, Mass General Brigham Personalized Medicine
Classification: Uncertain significance. Last evaluated: 2012-11-07. Review status: criteria provided, single submitter. Criteria: LMM Criteria. Collection method: clinical testing. Allele origin: germline. Observed: 1 variant allele.
Comment: Variant classified as Uncertain Significance - Favor Pathogenic. The Ala177fs va riant in LDB3 has not been reported in the literature nor previously identified by our laboratory. This frameshift variant is predicted to alter the protein?s a mino acid sequence beginning at position 177 and lead to a premature termination codon 20 amino acids downstream. This alteration is then predicted to lead to a truncated or absent protein (loss of function). Studies in mice have shown that the spectrum of phenotypes resulting from homozygous loss of function of LDB3 i ncludes dilated cardiomyopathy (Zheng 2009; heart specific loss of function) and congenital myopathy (Zhou 2001, complete loss of function). However, loss-of-f unction variants have not yet been reported in individuals with cardio/myopathy and additional data is therefore needed to determine if the Ala177fs variant is disease causing.

Literature cited by the submitters: PubMed 36253531 (cited by Labcorp Genetics (formerly Invitae), Labcorp); PubMed 19028670 (cited by Laboratory for Molecular Medicine, Mass General Brigham Personalized Medicine); PubMed 11696561 (cited by Laboratory for Molecular Medicine, Mass General Brigham Personalized Medicine).